The following is an entry in ClinVar:

NM_032119.4(ADGRV1):c.10481G>A (p.Arg3494Lys)

Gene: ADGRV1 (adhesion G protein-coupled receptor V1; plus strand). Cytogenetic location: 5q14.3.
Variant type: single nucleotide variant.
Coding change: c.10481G>A on transcript NM_032119.4 (MANE Select); coding-DNA position 10481, G replaced by A.
Protein change: p.Arg3494Lys; replaces arginine 3494 with lysine.
Molecular consequence: missense variant. On other transcripts: non-coding transcript variant (1).
Genome position (GRCh38, 1-based): chr5:90,729,696, G>A. VCF-style: chr5-90729696-G-A. GRCh37 (hg19) VCF-style: chr5-90025513-G-A.
Other names: c.10481G>A (NM_032119.3); short protein forms R3494K.
Identifiers: ClinVar variation 1490251 (VCV001490251.6), dbSNP rs777259124, ClinGen allele CA3340756.
Genomic context (GRCh38, chr5:90,729,696, plus strand): 5'-TTGCAGGAGATCAGAATTCAATTGATATTTTCATCTGGGAGATGGGACAGTCTTCCTTCA[G>A]GTATTTTCAGTCTGTAGATTTTGCTGCTGTTAACAGAATCCACTCCTTCACACCAGCCTC-3'
Protein context (NP_115495.3, residues 3484-3504): FIWEMGQSSF[Arg3494Lys]YFQSVDFAAV

ClinVar aggregate classification (germline): Uncertain significance. Review status: criteria provided, multiple submitters, no conflicts (2 of 4 stars). 3 submissions from 3 submitters: Uncertain significance (3). Last evaluated 2024-07-15.

Conditions:
Inborn genetic diseases. Identifiers: MedGen C0950123, MeSH D030342.

Allele frequency attached by ClinVar (database versions not stated): ExAC 0.00001; gnomAD exomes 0.00001; TOPMed 0.00002.
gnomAD v4.1: 32 of 1,607,386 alleles (0.002%); highest among the groups gnomAD compares: Non-Finnish European, 0.0025%; no homozygotes.

Submissions (3):

Blueprint Genetics
Classification: Uncertain significance. Last evaluated: 2024-07-15. Review status: criteria provided, single submitter. Criteria: ACMG Guidelines, 2015. Collection method: clinical testing. Allele origin: germline.

Labcorp Genetics (formerly Invitae), Labcorp
Classification: Uncertain significance. Last evaluated: 2024-01-17. Review status: criteria provided, single submitter. Criteria: Invitae Variant Classification Sherloc (09022015). Collection method: clinical testing. Allele origin: germline.
Comment: This sequence change replaces arginine, which is basic and polar, with lysine, which is basic and polar, at codon 3494 of the ADGRV1 protein (p.Arg3494Lys). This variant is present in population databases (rs777259124, gnomAD 0.0009%). This variant has not been reported in the literature in individuals affected with ADGRV1-related conditions. ClinVar contains an entry for this variant (Variation ID: 1490251). Advanced modeling of protein sequence and biophysical properties (such as structural, functional, and spatial information, amino acid conservation, physicochemical variation, residue mobility, and thermodynamic stability) performed at Invitae indicates that this missense variant is not expected to disrupt ADGRV1 protein function with a negative predictive value of 95%. In summary, the available evidence is currently insufficient to determine the role of this variant in disease. Therefore, it has been classified as a Variant of Uncertain Significance.

Ambry Genetics
Classification: Uncertain significance for Inborn genetic diseases. Last evaluated: 2023-12-18. Review status: criteria provided, single submitter. Criteria: Ambry Variant Classification Scheme 2023. Collection method: clinical testing. Allele origin: germline.